The following is an entry in ClinVar:

NM_020366.4(RPGRIP1):c.767C>G (p.Ser256Ter)

Gene: RPGRIP1 (RPGR interacting protein 1; plus strand). Cytogenetic location: 14q11.2.
Variant type: single nucleotide variant.
Coding change: c.767C>G on transcript NM_020366.4 (MANE Select); coding-DNA position 767, C replaced by G.
Protein change: p.Ser256Ter; replaces serine 256 with a stop codon.
Molecular consequence: nonsense.
Genome position (GRCh38, 1-based): chr14:21,303,510, C>G. VCF-style: chr14-21303510-C-G. GRCh37 (hg19) VCF-style: chr14-21771669-C-G.
Other names: short protein forms S256*.
Identifiers: ClinVar variation 1455333 (VCV001455333.6), dbSNP rs2139160679, ClinGen allele CA388860861.

ClinVar aggregate classification (germline): Pathogenic (1 of 4 stars; one submission).

Conditions:
Cone-rod dystrophy 13 (CORD13). Identifiers: Orphanet 1872, MedGen C2750720, MONDO:0011987, OMIM 608194.
Leber congenital amaurosis 6 (LCA6). Identifiers: Orphanet 65, MedGen C1854260, MONDO:0013446, OMIM 613826.

Submission:

Labcorp Genetics (formerly Invitae), Labcorp
Classification: Pathogenic for Leber congenital amaurosis 6; Cone-rod dystrophy 13. Last evaluated: 2023-07-19. Review status: criteria provided, single submitter. Criteria: Invitae Variant Classification Sherloc (09022015). Collection method: clinical testing. Allele origin: germline.
Comment: This variant is not present in population databases (gnomAD no frequency). This sequence change creates a premature translational stop signal (p.Ser256*) in the RPGRIP1 gene. It is expected to result in an absent or disrupted protein product. Loss-of-function variants in RPGRIP1 are known to be pathogenic (PMID: 11528500, 23105016). This premature translational stop signal has been observed in individual(s) with Leber congenital amaurosis (PMID: 29343940). ClinVar contains an entry for this variant (Variation ID: 1455333). For these reasons, this variant has been classified as Pathogenic.

Literature cited by the submitters: PubMed 11528500; PubMed 23105016; PubMed 29343940.